The following is an entry in ClinVar:

NM_130837.3(OPA1):c.1391G>A (p.Gly464Asp)

Gene: OPA1 (OPA1 mitochondrial dynamin like GTPase; plus strand). Cytogenetic location: 3q29.
Variant type: single nucleotide variant.
Coding change: c.1391G>A on transcript NM_130837.3 (MANE Select); coding-DNA position 1391, G replaced by A.
Protein change: p.Gly464Asp; replaces glycine 464 with aspartic acid.
Molecular consequence: missense variant.
Genome position (GRCh38, 1-based): chr3:193,643,541, G>A. VCF-style: chr3-193643541-G-A. GRCh37 (hg19) VCF-style: chr3-193361330-G-A.
Other names: c.857G>A, p.Gly286Asp (NM_001354663.2); c.854G>A, p.Gly285Asp (NM_001354664.2); c.1226G>A, p.Gly409Asp (NM_015560.3); c.1118G>A, p.Gly373Asp (NM_130831.3); c.1172G>A, p.Gly391Asp (NM_130832.3); c.1229G>A, p.Gly410Asp (NM_130833.3); c.1280G>A, p.Gly427Asp (NM_130834.3); c.1283G>A, p.Gly428Asp (NM_130835.3); and 1 more; short protein forms G285D, G286D, G373D, G391D, G409D, G410D, G427D, G428D.
Identifiers: ClinVar variation 1319051 (VCV001319051.9), dbSNP rs752296610, ClinGen allele CA2759372.
Genomic context (GRCh38, chr3:193,643,541, plus strand): 5'-TATTGTGTGAAGCATTTATAATGACATTTAAAACCTTTTTCTTTAAGACTGTGACATCAG[G>A]CATGGCTCCTGACACAAAGGAAACTATTTTCAGTATCAGCAAAGCTTACATGCAGAATCC-3'
Protein context (NP_570850.2, residues 454-474): LPGVINTVTS[Gly464Asp]MAPDTKETIF

ClinVar aggregate classification (germline): Conflicting classifications of pathogenicity. Review status: criteria provided, conflicting classifications (1 of 4 stars). 2 submissions from 2 submitters: Uncertain significance (1); Likely benign (1). Last evaluated 2022-12-06.

Allele frequency attached by ClinVar (database versions not stated): ExAC 0.00001; gnomAD exomes 0.00001 and 0.00007; TOPMed 0.00001; gnomAD 0.00002.
gnomAD v4.1: 97 of 1,613,578 alleles (0.006%); highest among the groups gnomAD compares: Non-Finnish European, 0.0079%; no homozygotes.

Submissions (2):

Labcorp Genetics (formerly Invitae), Labcorp
Classification: Likely benign. Last evaluated: 2022-12-06. Review status: criteria provided, single submitter. Criteria: Invitae Variant Classification Sherloc (09022015). Collection method: clinical testing. Allele origin: germline.

GeneDx
Classification: Uncertain significance. Last evaluated: 2020-04-01. Review status: criteria provided, single submitter. Criteria: GeneDx Variant Classification Process June 2021. Collection method: clinical testing. Allele origin: germline. Affected: yes.
Comment: In silico analysis supports that this missense variant does not alter protein structure/function; Has not been previously published as pathogenic or benign to our knowledge; This variant is associated with the following publications: (PMID: 31500643)